The following is an entry in ClinVar:

ClinVar aggregate classification (germline): Uncertain significance (1 of 4 stars; one submission).

gnomAD v4.1: 2 of 1,614,136 alleles (0.00012%); highest among the groups gnomAD compares: East Asian, 0.0022%; no homozygotes.

Submission:

Labcorp Genetics (formerly Invitae), Labcorp
Classification: Uncertain significance. Last evaluated: 2023-08-30. Review status: criteria provided, single submitter. Criteria: Invitae Variant Classification Sherloc (09022015). Collection method: clinical testing. Allele origin: germline.
Comment: This sequence change replaces asparagine, which is neutral and polar, with aspartic acid, which is acidic and polar, at codon 1081 of the A2ML1 protein (p.Asn1081Asp). This variant is present in population databases (no rsID available, gnomAD 0.006%). This variant has not been reported in the literature in individuals affected with A2ML1-related conditions. An algorithm developed to predict the effect of missense changes on protein structure and function (PolyPhen-2) suggests that this variant is likely to be tolerated. In summary, the available evidence is currently insufficient to determine the role of this variant in disease. Therefore, it has been classified as a Variant of Uncertain Significance.

NM_144670.6(A2ML1):c.3241A>G (p.Asn1081Asp)

Gene: A2ML1 (alpha-2-macroglobulin like 1; plus strand). Cytogenetic location: 12p13.31.
Variant type: single nucleotide variant.
Coding change: c.3241A>G on transcript NM_144670.6 (MANE Select); coding-DNA position 3241, A replaced by G.
Protein change: p.Asn1081Asp; replaces asparagine 1081 with aspartic acid.
Molecular consequence: missense variant.
Genome position (GRCh38, 1-based): chr12:8,858,079, A>G. VCF-style: chr12-8858079-A-G. GRCh37 (hg19) VCF-style: chr12-9010675-A-G.
Other names: c.1768A>G, p.Asn590Asp (NM_001282424.3); short protein forms N590D, N1081D.
Identifiers: ClinVar variation 2833368 (VCV002833368.3), dbSNP rs1177162537, ClinGen allele CA383838869.